The following is an entry in ClinVar:

ClinVar aggregate classification (germline): Uncertain significance (1 of 4 stars; one submission).

Conditions:
Majeed syndrome (MJDS). Also called: LPIN2-Related Majeed Syndrome; CHRONIC RECURRENT MULTIFOCAL OSTEOMYELITIS 1, WITH CONGENITAL DYSERYTHROPOIETIC ANEMIA, WITH OR WITHOUT NEUTROPHILIC DERMATOSIS. Identifiers: Orphanet 77297, MedGen C1864997, MONDO:0012316, OMIM 609628.

Submission:

ARUP Laboratories, Molecular Genetics and Genomics, ARUP Laboratories
Classification: Uncertain significance for Majeed syndrome. Last evaluated: 2020-01-05. Review status: criteria provided, single submitter. Criteria: ARUP Molecular Germline Variant Investigation Process. Collection method: clinical testing. Allele origin: germline.
Comment: The LPIN2 c.968C>T; p.Thr323Ile variant, to our knowledge, is not reported in the medical literature or gene specific databases. This variant is also absent from general population databases (Exome Variant Server, Genome Aggregation Database), indicating it is not a common polymorphism. The threonine at codon 323 is moderately conserved, but computational analyses (SIFT, PolyPhen-2) predict that this variant is tolerated. Due to limited information, the clinical significance of the p.Thr323Ile variant is uncertain at this time.

NM_001375808.2(LPIN2):c.968C>T (p.Thr323Ile)

Gene: LPIN2 (lipin 2; minus strand). Cytogenetic location: 18p11.31.
Variant type: single nucleotide variant.
Coding change: c.968C>T on transcript NM_001375808.2 (MANE Select); coding-DNA position 968, C replaced by T.
Protein change: p.Thr323Ile; replaces threonine 323 with isoleucine.
Molecular consequence: missense variant.
Genome position (GRCh38, 1-based): chr18:2,937,892, G>A on the plus strand (C>T on the coding strand, the complement: LPIN2 is on the minus strand). VCF-style: chr18-2937892-G-A. GRCh37 (hg19) VCF-style: chr18-2937890-G-A.
Other names: c.968C>T, p.Thr323Ile (NM_001375809.1, NM_014646.2); short protein forms T323I.
Identifiers: ClinVar variation 994032 (VCV000994032.8), dbSNP rs765953887, ClinGen allele CA401706617.